The following is an entry in ClinVar:

NM_144997.7(FLCN):c.1264C>T (p.Pro422Ser)

Gene: FLCN (folliculin; minus strand). Cytogenetic location: 17p11.2.
Variant type: single nucleotide variant.
Coding change: c.1264C>T on transcript NM_144997.7 (MANE Select); coding-DNA position 1264, C replaced by T.
Protein change: p.Pro422Ser; replaces proline 422 with serine.
Molecular consequence: missense variant.
Genome position (GRCh38, 1-based): chr17:17,216,416, G>A on the plus strand (C>T on the coding strand, the complement: FLCN is on the minus strand). VCF-style: chr17-17216416-G-A. GRCh37 (hg19) VCF-style: chr17-17119730-G-A.
Other names: c.1318C>T, p.Pro440Ser (NM_001353229.2); c.1264C>T, p.Pro422Ser (NM_001353230.2, NM_001353231.2); short protein forms P422S, P440S.
Identifiers: ClinVar variation 3682216 (VCV003682216.2).
Genomic context (GRCh38, chr17:17,216,416, plus strand): 5'-CCCACAGCCCGCGGGGGCACGCACCTGAGGAGAGCACGTGGGGGGGGATCTGCACGTGCG[G>A]GCTGAGCCCCAGGAAGTTGCACCGATAGGCCTCCTCGTACTGGCTGCTGTATGGGATGAT-3'
Protein context (NP_659434.2, residues 412-432): AYRCNFLGLS[Pro422Ser]HVQIPPHVLS

ClinVar aggregate classification (germline): Uncertain significance (1 of 4 stars; one submission).

Conditions:
Birt-Hogg-Dube syndrome. Also called: Birt Hogg Dubé syndrome. Identifiers: Orphanet 122, MedGen C0346010, MONDO:0800444.

Submission:

Labcorp Genetics (formerly Invitae), Labcorp
Classification: Uncertain significance for Birt-Hogg-Dube syndrome. Last evaluated: 2025-01-21. Review status: criteria provided, single submitter. Criteria: Invitae Variant Classification Sherloc (09022015). Collection method: clinical testing. Allele origin: germline.
Comment: This sequence change replaces proline, which is neutral and non-polar, with serine, which is neutral and polar, at codon 422 of the FLCN protein (p.Pro422Ser). This variant is not present in population databases (gnomAD no frequency). This variant has not been reported in the literature in individuals affected with FLCN-related conditions. Invitae Evidence Modeling of protein sequence and biophysical properties (such as structural, functional, and spatial information, amino acid conservation, physicochemical variation, residue mobility, and thermodynamic stability) indicates that this missense variant is not expected to disrupt FLCN protein function with a negative predictive value of 80%. In summary, the available evidence is currently insufficient to determine the role of this variant in disease. Therefore, it has been classified as a Variant of Uncertain Significance.